The following is an entry in ClinVar:

ClinVar aggregate classification (germline): Likely pathogenic (1 of 4 stars; one submission).

Submission:

Labcorp Genetics (formerly Invitae), Labcorp
Classification: Likely pathogenic. Last evaluated: 2023-05-26. Review status: criteria provided, single submitter. Criteria: Invitae Variant Classification Sherloc (09022015). Collection method: clinical testing. Allele origin: germline.
Comment: ClinVar contains an entry for this variant (Variation ID: 2116754). In summary, the currently available evidence indicates that the variant is pathogenic, but additional data are needed to prove that conclusively. Therefore, this variant has been classified as Likely Pathogenic. Algorithms developed to predict the effect of sequence changes on RNA splicing suggest that this variant may disrupt the consensus splice site. This variant has not been reported in the literature in individuals affected with XPC-related conditions. This variant is not present in population databases (gnomAD no frequency). This sequence change affects a splice site in intron 1 of the XPC gene. It is expected to disrupt RNA splicing. Variants that disrupt the donor or acceptor splice site typically lead to a loss of protein function (PMID: 16199547), and loss-of-function variants in XPC are known to be pathogenic (PMID: 23173980, 25256075).

Literature cited by the submitters: PubMed 16199547; PubMed 23173980; PubMed 25256075.

NM_004628.5(XPC):c.104-1del

Gene: XPC (XPC complex subunit, DNA damage recognition and repair factor; minus strand). Cytogenetic location: 3p25.1.
Variant type: Deletion.
Coding change: c.104-1del on transcript NM_004628.5 (MANE Select); the canonical splice acceptor site of the intron before coding-DNA position 104, one base deleted (G; older notation c.104-1delG).
Molecular consequence: splice acceptor variant.
Genome position (GRCh38, 1-based): chr3:14,173,063, C deleted on the plus strand (G on the coding strand, the reverse complement: XPC is on the minus strand). VCF-style (leftmost placement, unchanged base first): chr3-14173062-TC-T. GRCh37 (hg19) VCF-style: chr3-14214562-TC-T.
Other names: c.86-1del (NM_001354729.2); c.-352-1del (NM_001354726.2); c.104-1del (NM_001354730.2, NM_001354727.2).
Identifiers: ClinVar variation 2116754 (VCV002116754.4), dbSNP rs2470304928, ClinGen allele CA2580068496.
Genomic context (GRCh38, chr3:14,173,062, plus strand): 5'-TTTCCTTGTGAAACTTTGGAGAGAAGGCTCTTCTTTGGGGGTTTCTCATCTTCAAAGGCA[TC>T]TAGGTGACAACACAGAACATAAGGTGAGGGGTGGAAGGAAAGGTGGAGGCAGTGCAGCTT-3'